The following is an entry in ClinVar:

NM_017617.5(NOTCH1):c.5935-209G>A

Gene: NOTCH1 (notch receptor 1; minus strand). Cytogenetic location: 9q34.3.
Variant type: single nucleotide variant.
Coding change: c.5935-209G>A on transcript NM_017617.5 (MANE Select); 209 bases into the intron before coding-DNA position 5935, G replaced by A.
Molecular consequence: intron variant.
Genome position (GRCh38, 1-based): chr9:136,499,468, C>T on the plus strand (G>A on the coding strand, the complement: NOTCH1 is on the minus strand). VCF-style: chr9-136499468-C-T. GRCh37 (hg19) VCF-style: chr9-139393920-C-T.
Identifiers: ClinVar variation 679859 (VCV000679859.1), dbSNP rs75581848, ClinGen allele CA201637910.
Genomic context (GRCh38, chr9:136,499,468, plus strand): 5'-GCCATGGGGCTGCCCCTGAGGAGGGGCCCGGATGGGGGCAGGGGCTGTGCTGCCCACAGA[C>T]AGGCCCCTTGGTGACAGTGGGATCCATCGTGACCACGTGTGGCCTCATTTAATCCTCACT-3'

ClinVar aggregate classification (germline): Benign (1 of 4 stars; one submission).

Allele frequency attached by ClinVar (database versions not stated): gnomAD 0.02064 and 0.02220; 1000 Genomes Project 0.02137; TOPMed 0.02283; 1000 Genomes Project 30x 0.02405.
gnomAD v4.1: 3,115 of 152,358 alleles (2%); highest among the groups gnomAD compares: African/African-American, 7.1%; 108 homozygotes.

Submission:

GeneDx
Classification: Benign. Last evaluated: 2018-06-16. Review status: criteria provided, single submitter. Criteria: GeneDx Variant Classification (06012015). Collection method: clinical testing. Allele origin: germline. Affected: yes.
Comment: This variant is considered likely benign or benign based on one or more of the following criteria: it is a conservative change, it occurs at a poorly conserved position in the protein, it is predicted to be benign by multiple in silico algorithms, and/or has population frequency not consistent with disease.